The following is an entry in ClinVar:

ClinVar aggregate classification (germline): Likely benign (1 of 4 stars; one submission).

Allele frequency attached by ClinVar (database versions not stated): gnomAD exomes 0.00014; 1000 Genomes Project 0.00020; ExAC 0.00048.

Submission:

CeGaT Center for Human Genetics Tuebingen
Classification: Likely benign. Last evaluated: 2022-12-01. Review status: criteria provided, single submitter. Criteria: CeGaT Center For Human Genetics Tuebingen Variant Classification Criteria Version 2. Collection method: clinical testing. Allele origin: germline. Affected: yes. Observed: 1 variant allele.
Comment: MUC21: BP4, BP7

NM_001010909.5(MUC21):c.801C>T (p.Ala267=)

Genes: MUC21 (mucin 21, cell surface associated; plus strand), LOC126859647 (CDK7 strongly-dependent group 2 enhancer GRCh37_chr6:30954612-30955811; plus strand). Cytogenetic location: 6p21.33.
Variant type: single nucleotide variant.
Coding change: c.801C>T on transcript NM_001010909.5 (MANE Select); coding-DNA position 801, C replaced by T.
Protein change: p.Ala267=; no amino-acid change (alanine 267 retained).
Molecular consequence: synonymous variant. On other transcripts: no sequence alteration (1), non-coding transcript variant (1).
Genome position (GRCh38, 1-based): chr6:30,986,976, C>T. VCF-style: chr6-30986976-C-T. GRCh37 (hg19) VCF-style: chr6-30954753-C-T.
Other names: c.891C>T, p.Ala297= (NM_001322370.2); c.891=, p.Ala297= (NM_001322371.2).
Identifiers: ClinVar variation 2656358 (VCV002656358.24), dbSNP rs55849178, ClinGen allele CA3707298.
Genomic context (GRCh38, chr6:30,986,976, plus strand): 5'-ACCCTCCAGTGGGGCCGGCACAGCCACCAACTCTGAGTCCAGCACGACCTCCAGTGGGGC[C>T]GGCACAGCCACCAACTCTGAGTCCAGCACAGTGTCCAGTGGGATCAGCACAGTCACCAAT-3'
Protein context (NP_001010909.2, residues 257-277): NSESSTTSSG[Ala267=]GTATNSESST